The following is an entry in ClinVar:

ClinVar aggregate classification (germline): Likely benign (0 of 4 stars; one submission).

Conditions:
PLXND1-related disorder. Also called: PLXND1-related condition.

Allele frequency attached by ClinVar (database versions not stated): TOPMed below 0.00001; gnomAD 0.00001.
gnomAD v4.1: 9 of 1,537,354 alleles (0.00059%); highest among the groups gnomAD compares: Admixed American, 0.0039%; no homozygotes.

Submission:

PreventionGenetics, part of Exact Sciences
Classification: Likely benign for PLXND1-related condition. Last evaluated: 2019-04-29. Review status: no assertion criteria provided. Collection method: clinical testing. Allele origin: germline.
Comment: This variant is classified as likely benign based on ACMG/AMP sequence variant interpretation guidelines (Richards et al. 2015 PMID: 25741868, with internal and published modifications).

NM_015103.3(PLXND1):c.966C>T (p.Cys322=)

Gene: PLXND1 (plexin D1; minus strand). Cytogenetic location: 3q22.1.
Variant type: single nucleotide variant.
Coding change: c.966C>T on transcript NM_015103.3 (MANE Select); coding-DNA position 966, C replaced by T.
Protein change: p.Cys322=; no amino-acid change (cysteine 322 retained).
Molecular consequence: synonymous variant.
Genome position (GRCh38, 1-based): chr3:129,605,674, G>A on the plus strand (C>T on the coding strand, the complement: PLXND1 is on the minus strand). VCF-style: chr3-129605674-G-A. GRCh37 (hg19) VCF-style: chr3-129324517-G-A.
Identifiers: ClinVar variation 3056384 (VCV003056384.2), dbSNP rs933428278, ClinGen allele CA82654899.